The following is an entry in ClinVar:

NM_001430.5(EPAS1):c.1004A>G (p.Gln335Arg)

Gene: EPAS1 (endothelial PAS domain protein 1; plus strand). Cytogenetic location: 2p21.
Variant type: single nucleotide variant.
Coding change: c.1004A>G on transcript NM_001430.5 (MANE Select); coding-DNA position 1004, A replaced by G.
Protein change: p.Gln335Arg; replaces glutamine 335 with arginine.
Molecular consequence: missense variant.
Genome position (GRCh38, 1-based): chr2:46,375,807, A>G. VCF-style: chr2-46375807-A-G. GRCh37 (hg19) VCF-style: chr2-46602946-A-G.
Other names: short protein forms Q335R.
Identifiers: ClinVar variation 2456744 (VCV002456744.2), dbSNP rs1684732801, ClinGen allele CA346702946.

ClinVar aggregate classification (germline): Uncertain significance (1 of 4 stars; one submission).

Conditions:
Inborn genetic diseases. Identifiers: MedGen C0950123, MeSH D030342.

Submission:

Ambry Genetics
Classification: Uncertain significance for Inborn genetic diseases. Last evaluated: 2022-12-17. Review status: criteria provided, single submitter. Criteria: Ambry Variant Classification Scheme 2023. Collection method: clinical testing. Allele origin: germline.
Comment: The p.Q335R variant (also known as c.1004A>G), located in coding exon 8 of the EPAS1 gene, results from an A to G substitution at nucleotide position 1004. The glutamine at codon 335 is replaced by arginine, an amino acid with highly similar properties. This amino acid position is conserved. In addition, the in silico prediction for this alteration is inconclusive. Since supporting evidence is limited at this time, the clinical significance of this alteration remains unclear.